The following is an entry in ClinVar:

ClinVar aggregate classification (germline): Uncertain significance. Review status: criteria provided, multiple submitters, no conflicts (2 of 4 stars). 2 submissions from 2 submitters: Uncertain significance (2). Last evaluated 2025-11-01.

Allele frequency attached by ClinVar (database versions not stated): TOPMed 0.00001.
gnomAD v4.1: 1 of 1,596,898 alleles (0.000063%); highest among the groups gnomAD compares: Non-Finnish European, 0.000085%; no homozygotes.

Submissions (2):

CeGaT Center for Human Genetics Tuebingen
Classification: Uncertain significance. Last evaluated: 2025-11-01. Review status: criteria provided, single submitter. Criteria: CeGaT Center For Human Genetics Tuebingen Variant Classification Criteria Version 2. Collection method: clinical testing. Allele origin: germline. Affected: yes. Observed: 2 variant alleles.
Comment: GTPBP3: PM2, PP4

Labcorp Genetics (formerly Invitae), Labcorp
Classification: Uncertain significance. Last evaluated: 2024-01-17. Review status: criteria provided, single submitter. Criteria: Invitae Variant Classification Sherloc (09022015). Collection method: clinical testing. Allele origin: germline.
Comment: This sequence change replaces glycine, which is neutral and non-polar, with aspartic acid, which is acidic and polar, at codon 47 of the GTPBP3 protein (p.Gly47Asp). This variant is not present in population databases (gnomAD no frequency). This variant has not been reported in the literature in individuals affected with GTPBP3-related conditions. ClinVar contains an entry for this variant (Variation ID: 1444495). Advanced modeling of protein sequence and biophysical properties (such as structural, functional, and spatial information, amino acid conservation, physicochemical variation, residue mobility, and thermodynamic stability) performed at Invitae indicates that this missense variant is expected to disrupt GTPBP3 protein function with a positive predictive value of 80%. In summary, the available evidence is currently insufficient to determine the role of this variant in disease. Therefore, it has been classified as a Variant of Uncertain Significance.

NM_032620.4(GTPBP3):c.140G>A (p.Gly47Asp)

Gene: GTPBP3 (GTP binding protein 3, mitochondrial; plus strand). Cytogenetic location: 19p13.11.
Variant type: single nucleotide variant.
Coding change: c.140G>A on transcript NM_032620.4 (MANE Select); coding-DNA position 140, G replaced by A.
Protein change: p.Gly47Asp; replaces glycine 47 with aspartic acid.
Molecular consequence: missense variant.
Genome position (GRCh38, 1-based): chr19:17,338,094, G>A. VCF-style: chr19-17338094-G-A. GRCh37 (hg19) VCF-style: chr19-17448903-G-A.
Other names: c.140G>A, p.Gly47Asp (NM_001128855.3, NM_133644.4); c.206G>A, p.Gly69Asp (NM_001195422.1); short protein forms G47D, G69D.
Identifiers: ClinVar variation 1444495 (VCV001444495.15), dbSNP rs1330352858, ClinGen allele CA404731695.